The following is an entry in ClinVar:

NM_015166.4(MLC1):c.1011T>G (p.Gly337=)

Gene: MLC1 (modulator of VRAC current 1; minus strand). Cytogenetic location: 22q13.33.
Variant type: single nucleotide variant.
Coding change: c.1011T>G on transcript NM_015166.4 (MANE Select); coding-DNA position 1011, T replaced by G.
Protein change: p.Gly337=; no amino-acid change (glycine 337 retained).
Molecular consequence: synonymous variant. On other transcripts: non-coding transcript variant (3).
Genome position (GRCh38, 1-based): chr22:50,064,082, A>C on the plus strand (T>G on the coding strand, the complement: MLC1 is on the minus strand). VCF-style: chr22-50064082-A-C. GRCh37 (hg19) VCF-style: chr22-50502511-A-C.
Other names: c.1011T>G, p.Gly337= (NM_001376472.1, NM_001376473.1, NM_001376474.1 and 5 more transcripts); c.954T>G, p.Gly318= (NM_001376479.1); c.921T>G, p.Gly307= (NM_001376480.1); c.909T>G, p.Gly303= (NM_001376481.1); c.855T>G, p.Gly285= (NM_001376482.1, NM_001376483.1); c.774T>G, p.Gly258= (NM_001376484.1).
Identifiers: ClinVar variation 3898578 (VCV003898578.7).

ClinVar aggregate classification (germline): Likely benign (1 of 4 stars; one submission).

Submission:

CeGaT Center for Human Genetics Tuebingen
Classification: Likely benign. Last evaluated: 2025-04-01. Review status: criteria provided, single submitter. Criteria: CeGaT Center For Human Genetics Tuebingen Variant Classification Criteria Version 2. Collection method: clinical testing. Allele origin: germline. Affected: yes. Observed: 1 variant allele.
Comment: MLC1: PM2:Supporting, BP4, BP7